The following is an entry in ClinVar:

NM_025144.4(ALPK1):c.652T>C (p.Trp218Arg)

Gene: ALPK1 (alpha kinase 1; plus strand). Cytogenetic location: 4q25.
Variant type: single nucleotide variant.
Coding change: c.652T>C on transcript NM_025144.4 (MANE Select); coding-DNA position 652, T replaced by C.
Protein change: p.Trp218Arg; replaces tryptophan 218 with arginine.
Molecular consequence: missense variant.
Genome position (GRCh38, 1-based): chr4:112,426,496, T>C. VCF-style: chr4-112426496-T-C. GRCh37 (hg19) VCF-style: chr4-113347652-T-C.
Other names: c.652T>C, p.Trp218Arg (NM_001102406.2); c.418T>C, p.Trp140Arg (NM_001253884.2); short protein forms W218R, W140R.
Identifiers: ClinVar variation 4777018 (VCV004777018.1).

ClinVar aggregate classification (germline): Uncertain significance (1 of 4 stars; one submission).

gnomAD v4.1: 4 of 1,602,592 alleles (0.00025%); highest among the groups gnomAD compares: Middle Eastern, 0.017%; no homozygotes.

Submission:

Labcorp Genetics (formerly Invitae), Labcorp
Classification: Uncertain significance. Last evaluated: 2025-10-01. Review status: criteria provided, single submitter. Criteria: Invitae Variant Classification Sherloc (09022015). Collection method: clinical testing. Allele origin: germline.
Comment: This sequence change replaces tryptophan, which is neutral and slightly polar, with arginine, which is basic and polar, at codon 218 of the ALPK1 protein (p.Trp218Arg). This variant is not present in population databases (gnomAD no frequency). This variant has not been reported in the literature in individuals affected with ALPK1-related conditions. Invitae Evidence Modeling of protein sequence and biophysical properties (such as structural, functional, and spatial information, amino acid conservation, physicochemical variation, residue mobility, and thermodynamic stability) indicates that this missense variant is not expected to disrupt ALPK1 protein function with a negative predictive value of 80%. In summary, the available evidence is currently insufficient to determine the role of this variant in disease. Therefore, it has been classified as a Variant of Uncertain Significance.